The following is an entry in ClinVar:

ClinVar aggregate classification (germline): Uncertain significance (1 of 4 stars; one submission).

Conditions:
OTOG-related disorder. Also called: OTOG-related condition.

Submission:

PreventionGenetics, part of Exact Sciences
Classification: Uncertain significance for OTOG-related condition. Last evaluated: 2025-05-02. Review status: criteria provided, single submitter. Criteria: ACMG Guidelines, 2015. Collection method: clinical testing. Allele origin: germline.
Comment: The OTOG c.5417G>A variant is predicted to result in the amino acid substitution p.Arg1806His. To our knowledge, this variant has not been reported in the literature. This variant is reported in 0.013% of alleles in individuals of African descent in gnomAD. At this time, the clinical significance of this variant is uncertain due to the absence of conclusive functional and genetic evidence.

NM_001292063.2(OTOG):c.5381G>A (p.Arg1794His)

Gene: OTOG (otogelin; plus strand). Cytogenetic location: 11p15.1.
Variant type: single nucleotide variant.
Coding change: c.5381G>A on transcript NM_001292063.2 (MANE Select); coding-DNA position 5381, G replaced by A.
Protein change: p.Arg1794His; replaces arginine 1794 with histidine.
Molecular consequence: missense variant.
Genome position (GRCh38, 1-based): chr11:17,610,681, G>A. VCF-style: chr11-17610681-G-A. GRCh37 (hg19) VCF-style: chr11-17632228-G-A.
Other names: c.5417G>A, p.Arg1806His (NM_001277269.2); short protein forms R1794H, R1806H.
Identifiers: ClinVar variation 4980803 (VCV004980803.1).